The following is an entry in ClinVar:

NM_001013838.3(CARMIL2):c.412G>T (p.Ala138Ser)

Gene: CARMIL2 (capping protein regulator and myosin 1 linker 2; plus strand). Cytogenetic location: 16q22.1.
Variant type: single nucleotide variant.
Coding change: c.412G>T on transcript NM_001013838.3 (MANE Select); coding-DNA position 412, G replaced by T.
Protein change: p.Ala138Ser; replaces alanine 138 with serine.
Molecular consequence: missense variant.
Genome position (GRCh38, 1-based): chr16:67,646,463, G>T. VCF-style: chr16-67646463-G-T. GRCh37 (hg19) VCF-style: chr16-67680366-G-T.
Other names: c.412G>T, p.Ala138Ser (NM_001317026.3); short protein forms A138S.
Identifiers: ClinVar variation 2026960 (VCV002026960.4), dbSNP rs2543533575, ClinGen allele CA396331151.

ClinVar aggregate classification (germline): Uncertain significance (1 of 4 stars; one submission).

Submission:

Labcorp Genetics (formerly Invitae), Labcorp
Classification: Uncertain significance. Last evaluated: 2024-09-05. Review status: criteria provided, single submitter. Criteria: Invitae Variant Classification Sherloc (09022015). Collection method: clinical testing. Allele origin: germline.
Comment: This sequence change replaces alanine, which is neutral and non-polar, with serine, which is neutral and polar, at codon 138 of the CARMIL2 protein (p.Ala138Ser). This variant is not present in population databases (gnomAD no frequency). This variant has not been reported in the literature in individuals affected with CARMIL2-related conditions. ClinVar contains an entry for this variant (Variation ID: 2026960). Invitae Evidence Modeling of protein sequence and biophysical properties (such as structural, functional, and spatial information, amino acid conservation, physicochemical variation, residue mobility, and thermodynamic stability) indicates that this missense variant is not expected to disrupt CARMIL2 protein function with a negative predictive value of 80%. In summary, the available evidence is currently insufficient to determine the role of this variant in disease. Therefore, it has been classified as a Variant of Uncertain Significance.